The following is an entry in ClinVar:

ClinVar aggregate classification (germline): Uncertain significance. Review status: criteria provided, multiple submitters, no conflicts (2 of 4 stars). 2 submissions from 2 submitters: Uncertain significance (2). Last evaluated 2023-02-01.

Conditions:
Intellectual disability, CASK-related, X-linked. Identifiers: MedGen CN043158.

Submissions (2):

Labcorp Genetics (formerly Invitae), Labcorp
Classification: Uncertain significance for Intellectual disability, CASK-related, X-linked. Last evaluated: 2023-02-01. Review status: criteria provided, single submitter. Criteria: Invitae Variant Classification Sherloc (09022015). Collection method: clinical testing. Allele origin: germline.
Comment: This sequence change replaces methionine, which is neutral and non-polar, with isoleucine, which is neutral and non-polar, at codon 507 of the CASK protein (p.Met507Ile). This variant is not present in population databases (gnomAD no frequency). In summary, the available evidence is currently insufficient to determine the role of this variant in disease. Therefore, it has been classified as a Variant of Uncertain Significance. Experimental studies have shown that this missense change affects CASK function (PMID: 33090494). Advanced modeling of protein sequence and biophysical properties (such as structural, functional, and spatial information, amino acid conservation, physicochemical variation, residue mobility, and thermodynamic stability) has been performed at Invitae for this missense variant, however the output from this modeling did not meet the statistical confidence thresholds required to predict the impact of this variant on CASK protein function. ClinVar contains an entry for this variant (Variation ID: 420196). This missense change has been observed in individual(s) with clinical features of CASK-related conditions (PMID: 33090494).

GeneDx
Classification: Uncertain significance. Last evaluated: 2015-11-11. Review status: criteria provided, single submitter. Criteria: GeneDx Variant Classification (06012015). Collection method: clinical testing. Allele origin: germline. Affected: yes.
Comment: The M507I variant in the CASK gene has not been reported previously as a pathogenic variant, nor as a benign variant, to our knowledge. The M507I variant was not observed in approximately 6500 individuals of European and African American ancestry in the NHLBI Exome Sequencing Project, indicating it is not a common benign variant in these populations. The M507I variant is a conservative amino acid substitution, which is not likely to impact secondary protein structure as these residues share similar properties. This substitution occurs at a position that is conserved across species, however, in silico analysis is inconsistent in its predictions as to whether or not the variant is damaging to the protein structure/function. We interpret M507I as a variant of uncertain significance.

Literature cited by the submitters: PubMed 33090494 (cited by Labcorp Genetics (formerly Invitae), Labcorp).

NM_001367721.1(CASK):c.1521G>T (p.Met507Ile)

Gene: CASK (calcium/calmodulin dependent serine protein kinase; minus strand). Cytogenetic location: Xp11.4.
Variant type: single nucleotide variant.
Coding change: c.1521G>T on transcript NM_001367721.1 (MANE Select); coding-DNA position 1521, G replaced by T.
Protein change: p.Met507Ile; replaces methionine 507 with isoleucine.
Molecular consequence: missense variant.
Genome position (GRCh38, 1-based): chrX:41,569,729, C>A on the plus strand (G>T on the coding strand, the complement: CASK is on the minus strand). VCF-style: chrX-41569729-C-A. GRCh37 (hg19) VCF-style: chrX-41428982-C-A.
Other names: c.1521G>T, p.Met507Ile (NM_001126054.3, NM_003688.4); c.1503G>T, p.Met501Ile (NM_001126055.3, NM_001410745.1); short protein forms M507I, M501I.
Identifiers: ClinVar variation 420196 (VCV000420196.6), dbSNP rs1064794341, ClinGen allele CA16621402.